The following is an entry in ClinVar:

ClinVar aggregate classification (germline): Uncertain significance. Review status: criteria provided, multiple submitters, no conflicts (2 of 4 stars). 3 submissions from 3 submitters: Uncertain significance (3). Last evaluated 2026-01-05.

Conditions:
Aldosterone-producing adenoma with seizures and neurological abnormalities. Also called: Primary aldosteronism, seizures, and neurologic abnormalities. Identifiers: Orphanet 369929, MedGen C3809609, MONDO:0014200, OMIM 615474.
Sinoatrial node dysfunction and deafness (SANDD). Identifiers: Orphanet 324321, MedGen C3554018, MONDO:0013960, OMIM 614896.

Allele frequency attached by ClinVar (database versions not stated): gnomAD 0.00001 and 0.00003; gnomAD exomes 0.00004 and 0.00006; TOPMed 0.00004; ExAC 0.00005.
gnomAD v4.1: 42 of 1,614,086 alleles (0.0026%); highest among the groups gnomAD compares: East Asian, 0.094%; no homozygotes.

Submissions (3):

Labcorp Genetics (formerly Invitae), Labcorp
Classification: Uncertain significance. Last evaluated: 2026-01-05. Review status: criteria provided, single submitter. Criteria: Invitae Variant Classification Sherloc (09022015). Collection method: clinical testing. Allele origin: germline.
Comment: This sequence change replaces methionine, which is neutral and non-polar, with valine, which is neutral and non-polar, at codon 736 of the CACNA1D protein (p.Met736Val). This variant is present in population databases (rs775056182, gnomAD 0.06%). This variant has not been reported in the literature in individuals affected with CACNA1D-related conditions. ClinVar contains an entry for this variant (Variation ID: 1417392). Invitae Evidence Modeling of protein sequence and biophysical properties (such as structural, functional, and spatial information, amino acid conservation, physicochemical variation, residue mobility, and thermodynamic stability) indicates that this missense variant is not expected to disrupt CACNA1D protein function with a negative predictive value of 80%. In summary, the available evidence is currently insufficient to determine the role of this variant in disease. Therefore, it has been classified as a Variant of Uncertain Significance.

GeneDx
Classification: Uncertain significance. Last evaluated: 2022-06-29. Review status: criteria provided, single submitter. Criteria: GeneDx Variant Classification Process June 2021. Collection method: clinical testing. Allele origin: germline. Affected: yes.
Comment: In silico analysis supports that this missense variant has a deleterious effect on protein structure/function; Has not been previously published as pathogenic or benign to our knowledge

Fulgent Genetics
Classification: Uncertain significance for Sinoatrial node dysfunction and deafness; Aldosterone-producing adenoma with seizures and neurological abnormalities. Last evaluated: 2022-03-16. Review status: criteria provided, single submitter. Criteria: ACMG Guidelines, 2015. Collection method: clinical testing. Allele origin: unknown.

NM_001128840.3(CACNA1D):c.2146A>G (p.Met716Val)

Gene: CACNA1D (calcium voltage-gated channel subunit alpha1 D; plus strand). Cytogenetic location: 3p21.1.
Variant type: single nucleotide variant.
Coding change: c.2146A>G on transcript NM_001128840.3 (MANE Select); coding-DNA position 2146, A replaced by G.
Protein change: p.Met716Val; replaces methionine 716 with valine.
Molecular consequence: missense variant.
Genome position (GRCh38, 1-based): chr3:53,726,924, A>G. VCF-style: chr3-53726924-A-G. GRCh37 (hg19) VCF-style: chr3-53760951-A-G.
Other names: c.2206A>G (NM_000720.2); c.2206A>G, p.Met736Val (NM_000720.4); c.2146A>G, p.Met716Val (NM_001128839.3); short protein forms M716V, M736V.
Identifiers: ClinVar variation 1417392 (VCV001417392.8), dbSNP rs775056182, ClinGen allele CA2454151.
Genomic context (GRCh38, chr3:53,726,924, plus strand): 5'-AGTTTGGCTTCTCAGATCCTGACAGGCGAAGACTGGAATGCTGTGATGTACGATGGCATC[A>G]TGGCTTACGGGGGCCCATCCTCTTCAGGAATGATCGTCTGCATCTACTTCATCATCCTCT-3'
Protein context (NP_001122312.1, residues 706-726): DWNAVMYDGI[Met716Val]AYGGPSSSGM